The following is an entry in ClinVar:

ClinVar aggregate classification (germline): Uncertain significance (1 of 4 stars; one submission).

Allele frequency attached by ClinVar (database versions not stated): gnomAD exomes 0.00001; ExAC 0.00002.
gnomAD v4.1: 3 of 1,613,082 alleles (0.00019%); highest among the groups gnomAD compares: South Asian, 0.0033%; no homozygotes.

Submission:

Labcorp Genetics (formerly Invitae), Labcorp
Classification: Uncertain significance. Last evaluated: 2022-10-24. Review status: criteria provided, single submitter. Criteria: Invitae Variant Classification Sherloc (09022015). Collection method: clinical testing. Allele origin: germline.
Comment: In summary, the available evidence is currently insufficient to determine the role of this variant in disease. Therefore, it has been classified as a Variant of Uncertain Significance. Algorithms developed to predict the effect of missense changes on protein structure and function (SIFT, PolyPhen-2, Align-GVGD) all suggest that this variant is likely to be disruptive. ClinVar contains an entry for this variant (Variation ID: 1362772). This variant has not been reported in the literature in individuals affected with MPDZ-related conditions. This variant is present in population databases (rs760678078, gnomAD 0.006%). This sequence change replaces serine, which is neutral and polar, with phenylalanine, which is neutral and non-polar, at codon 54 of the MPDZ protein (p.Ser54Phe).

NM_001378778.1(MPDZ):c.161C>T (p.Ser54Phe)

Gene: MPDZ (multiple PDZ domain crumbs cell polarity complex component; minus strand). Cytogenetic location: 9p23.
Variant type: single nucleotide variant.
Coding change: c.161C>T on transcript NM_001378778.1 (MANE Select); coding-DNA position 161, C replaced by T.
Protein change: p.Ser54Phe; replaces serine 54 with phenylalanine.
Molecular consequence: missense variant.
Genome position (GRCh38, 1-based): chr9:13,247,657, G>A on the plus strand (C>T on the coding strand, the complement: MPDZ is on the minus strand). VCF-style: chr9-13247657-G-A. GRCh37 (hg19) VCF-style: chr9-13247656-G-A.
Other names: c.161C>T, p.Ser54Phe (NM_001261406.2, NM_001261407.2, NM_001330637.2 and 14 more transcripts); short protein forms S54F.
Identifiers: ClinVar variation 1362772 (VCV001362772.6), dbSNP rs760678078, ClinGen allele CA4988227.